The following is an entry in ClinVar:

NC_000013.10:g.(?_51484213)_(51484296_?)del

Gene: RNASEH2B (ribonuclease H2 subunit B; plus strand). Cytogenetic location: 13q14.3.
Variant type: Deletion.
Identifiers: ClinVar variation 2426831 (VCV002426831.4).

ClinVar aggregate classification (germline): Pathogenic (1 of 4 stars; one submission).

Conditions:
Aicardi-Goutieres syndrome 2. Identifiers: Orphanet 51, MedGen C3489724, MONDO:0012429, OMIM 610181.

Submission:

Labcorp Genetics (formerly Invitae), Labcorp
Classification: Pathogenic for Aicardi-Goutieres syndrome 2. Last evaluated: 2023-10-30. Review status: criteria provided, single submitter. Criteria: Invitae Variant Classification Sherloc (09022015). Collection method: clinical testing. Allele origin: germline.
Comment: This variant is a gross deletion of the genomic region encompassing exon(s) 1 of the RNASEH2B gene, which includes the initiator codon. This deletion extends beyond the assayed region for this gene and therefore may encompass additional genes. It is expected to result in an absent or disrupted protein product. Loss-of-function variants in RNASEH2B are known to be pathogenic (PMID: 17846997). This variant has not been reported in the literature in individuals affected with RNASEH2B-related conditions. For these reasons, this variant has been classified as Pathogenic.

Literature cited by the submitters: PubMed 17846997.